The following is an entry in ClinVar:

ClinVar aggregate classification (germline): Conflicting classifications of pathogenicity. Review status: criteria provided, conflicting classifications (1 of 4 stars). 3 submissions from 3 submitters: Uncertain significance (2); Likely benign (1). Last evaluated 2024-02-04.

Conditions:
Hereditary breast ovarian cancer syndrome. Also called: Hereditary breast and ovarian cancer syndrome; Hereditary breast and ovarian cancer; Hereditary breast and ovarian cancer syndrome (HBOC); Breast and ovarian cancer; Hereditary breast and/or ovarian cancer syndrome; BRCA1- and BRCA2-Associated Hereditary Breast and Ovarian Cancer. Identifiers: Orphanet 145, MedGen C0677776, MeSH D061325, MONDO:0003582. Disease mechanism: loss of function.
Hereditary cancer-predisposing syndrome. Also called: Neoplastic Syndromes, Hereditary; Tumor predisposition; Hereditary Cancer Syndrome; Hereditary neoplastic syndrome. Identifiers: Orphanet 140162, MedGen C0027672, MeSH D009386, MONDO:0015356.

Submissions (3):

Labcorp Genetics (formerly Invitae), Labcorp
Classification: Uncertain significance for Hereditary breast ovarian cancer syndrome. Last evaluated: 2024-02-04. Review status: criteria provided, single submitter. Criteria: Invitae Variant Classification Sherloc (09022015). Collection method: clinical testing. Allele origin: germline.
Comment: This sequence change replaces valine, which is neutral and non-polar, with leucine, which is neutral and non-polar, at codon 1639 of the BRCA2 protein (p.Val1639Leu). This variant is not present in population databases (gnomAD no frequency). This variant has not been reported in the literature in individuals affected with BRCA2-related conditions. ClinVar contains an entry for this variant (Variation ID: 481603). Advanced modeling of protein sequence and biophysical properties (such as structural, functional, and spatial information, amino acid conservation, physicochemical variation, residue mobility, and thermodynamic stability) performed at Invitae indicates that this missense variant is not expected to disrupt BRCA2 protein function with a negative predictive value of 95%. In summary, the available evidence is currently insufficient to determine the role of this variant in disease. Therefore, it has been classified as a Variant of Uncertain Significance.

University of Washington Department of Laboratory Medicine, University of Washington
Classification: Likely benign for Hereditary cancer-predisposing syndrome. Last evaluated: 2023-03-23. Review status: criteria provided, single submitter. Criteria: Dines et al. (Genet Med. 2020). Collection method: curation. Allele origin: germline.
Comment: Missense variant in a coldspot region where missense variants are very unlikely to be pathogenic (PMID:31911673).

BRCA2 exon 11 coldspot. Reclassification based on statistical prior probability.

Ambry Genetics
Classification: Uncertain significance for Hereditary cancer-predisposing syndrome. Last evaluated: 2017-04-24. Review status: criteria provided, single submitter. Criteria: Ambry Variant Classification Scheme 2023. Collection method: clinical testing. Allele origin: germline.
Comment: The p.V1639L variant (also known as c.4915G>C), located in coding exon 10 of the BRCA2 gene, results from a G to C substitution at nucleotide position 4915. The valine at codon 1639 is replaced by leucine, an amino acid with highly similar properties. This amino acid position is poorly conserved in available vertebrate species. In addition, this alteration is predicted to be tolerated by in silico analysis. Since supporting evidence is limited at this time, the clinical significance of this alteration remains unclear.

NM_000059.4(BRCA2):c.4915G>C (p.Val1639Leu)

Gene: BRCA2 (BRCA2 DNA repair associated; plus strand). Cytogenetic location: 13q13.1.
Variant type: single nucleotide variant.
Coding change: c.4915G>C on transcript NM_000059.4 (MANE Select); coding-DNA position 4915, G replaced by C.
Protein change: p.Val1639Leu; replaces valine 1639 with leucine.
Molecular consequence: missense variant.
Genome position (GRCh38, 1-based): chr13:32,339,270, G>C. VCF-style: chr13-32339270-G-C. GRCh37 (hg19) VCF-style: chr13-32913407-G-C.
Other names: short protein forms V1639L.
Identifiers: ClinVar variation 481603 (VCV000481603.9), dbSNP rs80358716, ClinGen allele CA387783602.